The following is an entry in ClinVar:

NM_199420.4(POLQ):c.848A>G (p.Tyr283Cys)

Gene: POLQ (DNA polymerase theta; minus strand). Cytogenetic location: 3q13.33.
Variant type: single nucleotide variant.
Coding change: c.848A>G on transcript NM_199420.4 (MANE Select); coding-DNA position 848, A replaced by G.
Protein change: p.Tyr283Cys; replaces tyrosine 283 with cysteine.
Molecular consequence: missense variant.
Genome position (GRCh38, 1-based): chr3:121,533,102, T>C on the plus strand (A>G on the coding strand, the complement: POLQ is on the minus strand). VCF-style: chr3-121533102-T-C. GRCh37 (hg19) VCF-style: chr3-121251949-T-C.
Other names: short protein forms Y283C.
Identifiers: ClinVar variation 1763560 (VCV001763560.2), dbSNP rs2546819108, ClinGen allele CA354126365.
Genomic context (GRCh38, chr3:121,533,102, plus strand): 5'-TATATGGAATTTCCAACTTTTACTGACTCCAAAAGCGGTACAGGGCGAAAGTCGGTATGG[T>C]AGAGTTCAGCATTCAACCAGGAAGCCACAAGCTCCAAATTAGGAAGGGTAGCACTCATGC-3'
Protein context (NP_955452.3, residues 273-293): LVASWLNAEL[Tyr283Cys]HTDFRPVPLL

ClinVar aggregate classification (germline): Uncertain significance (1 of 4 stars; one submission).

Submission:

Ambry Genetics
Classification: Uncertain significance. Last evaluated: 2022-02-22. Review status: criteria provided, single submitter. Criteria: Ambry Variant Classification Scheme 2023. Collection method: clinical testing. Allele origin: germline.
Comment: The p.Y283C variant (also known as c.848A>G), located in coding exon 6 of the POLQ gene, results from an A to G substitution at nucleotide position 848. The tyrosine at codon 283 is replaced by cysteine, an amino acid with highly dissimilar properties. This amino acid position is conserved. In addition, this alteration is predicted to be deleterious by in silico analysis. Since supporting evidence is limited at this time, the clinical significance of this alteration remains unclear.